The following is an entry in ClinVar:

ClinVar aggregate classification (germline): Pathogenic/Likely pathogenic. Review status: criteria provided, multiple submitters, no conflicts (2 of 4 stars). 2 submissions from 2 submitters: Pathogenic (1); Likely pathogenic (1). Last evaluated 2023-11-08.

Conditions:
Familial hemophagocytic lymphohistiocytosis 4 (FHL4). Also called: STX11-Related Familial Hemophagocytic Lymphohistiocytosis (STX11-fHLH). Identifiers: Orphanet 540, MedGen C1863728, MONDO:0011336, OMIM 603552.

Submissions (2):

Labcorp Genetics (formerly Invitae), Labcorp
Classification: Pathogenic for Familial hemophagocytic lymphohistiocytosis 4. Last evaluated: 2023-11-08. Review status: criteria provided, single submitter. Criteria: Invitae Variant Classification Sherloc (09022015). Collection method: clinical testing. Allele origin: germline.
Comment: This sequence change results in a frameshift in the STX11 gene (p.Arg216Alafs*139). While this is not anticipated to result in nonsense mediated decay, it is expected to disrupt the last 72 amino acid(s) of the STX11 protein and extend the protein by 66 additional amino acid residues. This variant is not present in population databases (gnomAD no frequency). This variant has not been reported in the literature in individuals affected with STX11-related conditions. Algorithms developed to predict the effect of sequence changes on RNA splicing suggest that this variant may create or strengthen a splice site. This variant disrupts a region of the STX11 protein in which other variant(s) (p.Q268*) have been determined to be pathogenic (PMID: 16582076, 17525286). This suggests that this is a clinically significant region of the protein, and that variants that disrupt it are likely to be disease-causing. For these reasons, this variant has been classified as Pathogenic.

Baylor Genetics
Classification: Likely pathogenic for Familial hemophagocytic lymphohistiocytosis 4. Last evaluated: 2023-08-23. Review status: criteria provided, single submitter. Criteria: ACMG Guidelines, 2015. Collection method: clinical testing. Allele origin: unknown.

Literature cited by the submitters: PubMed 16582076 (cited by Labcorp Genetics (formerly Invitae), Labcorp); PubMed 17525286 (cited by Labcorp Genetics (formerly Invitae), Labcorp).

NM_003764.4(STX11):c.645dup (p.Arg216fs)

Gene: STX11 (syntaxin 11; plus strand). Cytogenetic location: 6q24.2.
Variant type: Duplication.
Coding change: c.645dup on transcript NM_003764.4 (MANE Select); coding-DNA position 645, one base duplicated (G; older notation c.645dupG).
Protein change: p.Arg216fs; shifts the reading frame from arginine 216.
Molecular consequence: frameshift variant.
Genome position (GRCh38, 1-based): chr6:144,187,272, G duplicated. VCF-style (leftmost placement, unchanged base first): chr6-144187271-T-TG. GRCh37 (hg19) VCF-style: chr6-144508408-T-TG.
Other names: short protein forms R216fs.
Identifiers: ClinVar variation 2679061 (VCV002679061.4), dbSNP rs2533804808, ClinGen allele CA2578760257.